The following is an entry in ClinVar:

ClinVar aggregate classification (germline): Likely benign (1 of 4 stars; one submission).

Allele frequency attached by ClinVar (database versions not stated): ESP Exome Variant Server 0.00144; 1000 Genomes Project 0.00240; 1000 Genomes Project 30x 0.00281.
gnomAD v4.1: 4,848 of 1,610,244 alleles (0.3%); highest among the groups gnomAD compares: Admixed American, 0.45%; 9 homozygotes.

Submission:

CeGaT Center for Human Genetics Tuebingen
Classification: Likely benign. Last evaluated: 2023-03-01. Review status: criteria provided, single submitter. Criteria: CeGaT Center For Human Genetics Tuebingen Variant Classification Criteria Version 2. Collection method: clinical testing. Allele origin: germline. Affected: yes. Observed: 1 variant allele.
Comment: FAM90A1: BP4, BS2

NM_018088.3(FAM90A1):c.884C>T (p.Pro295Leu)

Gene: FAM90A1 (family with sequence similarity 90 member A1; minus strand). Cytogenetic location: 12p13.31.
Variant type: single nucleotide variant.
Coding change: c.884C>T on transcript NM_018088.3 (MANE Select); coding-DNA position 884, C replaced by T.
Protein change: p.Pro295Leu; replaces proline 295 with leucine.
Molecular consequence: missense variant.
Genome position (GRCh38, 1-based): chr12:8,222,333, G>A on the plus strand (C>T on the coding strand, the complement: FAM90A1 is on the minus strand). VCF-style: chr12-8222333-G-A. GRCh37 (hg19) VCF-style: chr12-8374929-G-A.
Other names: c.884C>T, p.Pro295Leu (NM_001319982.2); short protein forms P295L.
Identifiers: ClinVar variation 2642688 (VCV002642688.24), dbSNP rs182789716, ClinGen allele CA6433138.
Genomic context (GRCh38, chr12:8,222,333, plus strand): 5'-ATCTGGAAGGGACCCAGTCTCGGTTTCTTGGGGAAGTTCAGGCAAGCCTGAATCGGAGCC[G>A]GGGCAGATCTCTTGGCTCCTGGCCCGAAGCTGAGATTGGAGCCTAGGCCCAAGCTGTGTG-3'
Protein context (NP_060558.3, residues 285-305): SFGPGAKRSA[Pro295Leu]APIQACLNFP